The following is an entry in ClinVar:

NM_004304.5(ALK):c.625_627delinsATT (p.Arg209Ile)

Gene: ALK (ALK receptor tyrosine kinase; minus strand). Cytogenetic location: 2p23.1.
Variant type: Indel.
Coding change: c.625_627delinsATT on transcript NM_004304.5 (MANE Select); coding-DNA positions 625 to 627, CGC replaced by ATT.
Protein change: p.Arg209Ile; replaces arginine 209 with isoleucine.
Molecular consequence: missense variant.
Genome position (GRCh38, 1-based): chr2:29,920,033-29,920,035, GCG replaced by AAT on the plus strand (CGC replaced by ATT on the coding strand, the reverse complement: ALK is on the minus strand). VCF-style: chr2-29920033-GCG-AAT. GRCh37 (hg19) VCF-style: chr2-30142899-GCG-AAT.
Other names: short protein forms R209I.
Identifiers: ClinVar variation 4723421 (VCV004723421.1).

ClinVar aggregate classification (germline): Uncertain significance (1 of 4 stars; one submission).

Conditions:
Neuroblastoma, susceptibility to, 3. Also called: ALK-Related Neuroblastic Tumor Susceptibility. Identifiers: Orphanet 635, MedGen C2751681, MONDO:0013083, OMIM 613014.

Submission:

Labcorp Genetics (formerly Invitae), Labcorp
Classification: Uncertain significance for Neuroblastoma, susceptibility to, 3. Last evaluated: 2025-07-18. Review status: criteria provided, single submitter. Criteria: Invitae Variant Classification Sherloc (09022015). Collection method: clinical testing. Allele origin: germline.
Comment: This sequence change replaces arginine, which is basic and polar, with isoleucine, which is neutral and non-polar, at codon 209 of the ALK protein (p.Arg209Ile). Information on the frequency of this variant in the gnomAD database is not available, as this variant may be reported differently in the database. This variant has not been reported in the literature in individuals affected with ALK-related conditions. An algorithm developed to predict the effect of missense changes on protein structure and function (PolyPhen-2) suggests that this variant is likely to be disruptive. In summary, the available evidence is currently insufficient to determine the role of this variant in disease. Therefore, it has been classified as a Variant of Uncertain Significance.